The following is an entry in ClinVar:

ClinVar aggregate classification (germline): Likely benign. Review status: criteria provided, multiple submitters, no conflicts (2 of 4 stars). 2 submissions from 2 submitters: Likely benign (2). Last evaluated 2026-07-01.

gnomAD v4.1: 2,685 of 1,604,428 alleles (0.17%); highest among the groups gnomAD compares: Non-Finnish European, 0.21%; 7 homozygotes.

Submissions (2):

CeGaT Center for Human Genetics Tuebingen
Classification: Likely benign. Last evaluated: 2026-07-01. Review status: criteria provided, single submitter. Criteria: CeGaT Center For Human Genetics Tuebingen Variant Classification Criteria Version 2. Collection method: clinical testing. Allele origin: germline. Affected: yes. Observed: 1 variant allele.
Comment: AHNAK2: BP4

Ambry Genetics
Classification: Likely benign. Last evaluated: 2025-09-28. Review status: criteria provided, single submitter. Criteria: Ambry Variant Classification Scheme 2023. Collection method: clinical testing. Allele origin: germline.

NM_138420.4(AHNAK2):c.10222A>G (p.Ser3408Gly)

Gene: AHNAK2 (AHNAK nucleoprotein 2; minus strand). Cytogenetic location: 14q32.33.
Variant type: single nucleotide variant.
Coding change: c.10222A>G on transcript NM_138420.4 (MANE Select); coding-DNA position 10222, A replaced by G.
Protein change: p.Ser3408Gly; replaces serine 3408 with glycine.
Molecular consequence: missense variant.
Genome position (GRCh38, 1-based): chr14:104,945,229, T>C on the plus strand (A>G on the coding strand, the complement: AHNAK2 is on the minus strand). VCF-style: chr14-104945229-T-C. GRCh37 (hg19) VCF-style: chr14-105411566-T-C.
Other names: c.9922A>G, p.Ser3308Gly (NM_001350929.2); short protein forms S3308G, S3408G.
Identifiers: ClinVar variation 4639316 (VCV004639316.2).
Genomic context (GRCh38, chr14:104,945,229, plus strand): 5'-TCACTTCCGCCTTGGGGACTTTTAGGTCCAGCTTGGGGCCCTTGATGTCCACCTGGGGGC[T>C]CTTGAGGTCCACTTTGGGCATCTTGAAACTGGGCATCTCCACCTTGGGCAGGTGCCCTTT-3'
Protein context (NP_612429.2, residues 3398-3418): SFKMPKVDLK[Ser3408Gly]PQVDIKGPKL